The following is an entry in ClinVar:

NM_001277115.2(DNAH11):c.11967+5G>A

Gene: DNAH11 (dynein axonemal heavy chain 11; plus strand). Cytogenetic location: 7p15.3.
Variant type: single nucleotide variant.
Coding change: c.11967+5G>A on transcript NM_001277115.2 (MANE Select); 5 bases into the intron after coding-DNA position 11967, G replaced by A.
Molecular consequence: intron variant.
Genome position (GRCh38, 1-based): chr7:21,868,996, G>A. VCF-style: chr7-21868996-G-A. GRCh37 (hg19) VCF-style: chr7-21908614-G-A.
Identifiers: ClinVar variation 238892 (VCV000238892.7), dbSNP rs878854436, ClinGen allele CA10582487.
Genomic context (GRCh38, chr7:21,868,996, plus strand): 5'-TGGCAGAAGTGGCCCTGGAGAAAGCTTCCAAAGGAGGACACTGGGTCATCCTCCAAGTGA[G>A]TATTAAGTTTCAGGGAAGACACTGGGCATAAACACAGAGGAGGGCCAGGGCAGAGCTGGC-3'

ClinVar aggregate classification (germline): Likely pathogenic (1 of 4 stars; one submission).

Conditions:
Primary ciliary dyskinesia. Also called: Ciliary dyskinesia. Identifiers: Orphanet 244, MedGen C0008780, MONDO:0016575, HP:0012265.

Allele frequency attached by ClinVar (database versions not stated): TOPMed below 0.00001.

Submission:

Labcorp Genetics (formerly Invitae), Labcorp
Classification: Likely pathogenic for Primary ciliary dyskinesia. Last evaluated: 2016-02-01. Review status: criteria provided, single submitter. Criteria: Invitae Variant Classification Sherloc (09022015). Collection method: clinical testing. Allele origin: germline.
Comment: This variant is not present in population databases (ExAC no frequency) and has not been reported in the literature in individuals with a DNAH11-related disease. For these reasons, this variant has been classified as Likely Pathogenic. While it is unknown if these two variants are on the same or opposite chromosomes, this observation suggests that the c.11967+5G>A variant may contribute to the cause of disease. Algorithms developed to predict the effect of nucleotide changes on mRNA splicing suggest that this intronic variant may alter mRNA splicing, but this prediction has not been confirmed by published transcriptional studies. This sequence change falls in intron 73 of the DNAH11 mRNA. It does not directly change the encoded amino acid sequence of the DNAH11 protein. This variant affects a highly conserved nucleotide within the consensus splice site of intron 73. The majority of introns (75%) have a guanine at this position (PMID: 9536098).

Literature cited by the submitters: PubMed 9536098.